The following is an entry in ClinVar:

ClinVar aggregate classification (germline): Uncertain significance (1 of 4 stars; one submission).

Submission:

Labcorp Genetics (formerly Invitae), Labcorp
Classification: Uncertain significance. Last evaluated: 2025-05-25. Review status: criteria provided, single submitter. Criteria: Invitae Variant Classification Sherloc (09022015). Collection method: clinical testing. Allele origin: germline.
Comment: This sequence change creates a premature translational stop signal (p.Gln1999*) in the LRRK1 gene. While this is not anticipated to result in nonsense mediated decay, it is expected to disrupt the last 17 amino acid(s) of the LRRK1 protein. This variant is not present in population databases (gnomAD no frequency). This variant has not been reported in the literature in individuals affected with LRRK1-related conditions. Experimental studies and prediction algorithms are not available or were not evaluated, and the functional significance of this variant is currently unknown. In summary, the available evidence is currently insufficient to determine the role of this variant in disease. Therefore, it has been classified as a Variant of Uncertain Significance.

NM_024652.6(LRRK1):c.5995C>T (p.Gln1999Ter)

Genes: LRRK1-AS1 (LRRK1 antisense RNA 1; minus strand), LRRK1 (leucine rich repeat kinase 1; plus strand). Cytogenetic location: 15q26.3.
Variant type: single nucleotide variant.
Coding change: c.5995C>T on transcript NM_024652.6 (MANE Select); coding-DNA position 5995, C replaced by T.
Protein change: p.Gln1999Ter; replaces glutamine 1999 with a stop codon.
Molecular consequence: nonsense.
Genome position (GRCh38, 1-based): chr15:101,068,795, C>T. VCF-style: chr15-101068795-C-T. GRCh37 (hg19) VCF-style: chr15-101609000-C-T.
Other names: short protein forms Q1999*.
Identifiers: ClinVar variation 4720207 (VCV004720207.1).